The following is an entry in ClinVar:

NM_000744.7(CHRNA4):c.639T>C (p.Asp213=)

Gene: CHRNA4 (cholinergic receptor nicotinic alpha 4 subunit; minus strand). Cytogenetic location: 20q13.33.
Variant type: single nucleotide variant.
Coding change: c.639T>C on transcript NM_000744.7 (MANE Select); coding-DNA position 639, T replaced by C.
Protein change: p.Asp213=; no amino-acid change (aspartic acid 213 retained).
Molecular consequence: synonymous variant. On other transcripts: non-coding transcript variant (1).
Genome position (GRCh38, 1-based): chr20:63,350,772, A>G on the plus strand (T>C on the coding strand, the complement: CHRNA4 is on the minus strand). VCF-style: chr20-63350772-A-G. GRCh37 (hg19) VCF-style: chr20-61982124-A-G.
Other names: p.Asp213=; c.111T>C, p.Asp37= (NM_001256573.2).
Identifiers: ClinVar variation 128749 (VCV000128749.32), dbSNP rs1044393, ClinGen allele CA152385.

ClinVar aggregate classification (germline): Benign. Review status: criteria provided, multiple submitters, no conflicts (2 of 4 stars). 12 submissions from 12 submitters: Benign (11). 1 of the submissions does not count toward it. Last evaluated 2026-02-04.

Conditions:
Familial sleep-related hypermotor epilepsy. Also called: Autosomal Dominant Sleep-Related Hypermotor (Hyperkinetic) Epilepsy. Identifiers: Orphanet 98784, MedGen C3696898, MONDO:0000030.
Inborn genetic diseases. Identifiers: MedGen C0950123, MeSH D030342.
Autosomal dominant nocturnal frontal lobe epilepsy 1. Also called: EPILEPSY, NOCTURNAL FRONTAL LOBE, TYPE 1; CHRNA4-Related Nocturnal Frontal Lobe Epilepsy, Autosomal Dominant. Identifiers: Orphanet 98784, MedGen C1838049, MONDO:0010899, OMIM 600513.

Allele frequency attached by ClinVar (database versions not stated): 1000 Genomes Project 30x 0.75281; 1000 Genomes Project 0.75719; ESP Exome Variant Server 0.76695; TOPMed 0.76881; gnomAD 0.78554; ExAC 0.83528; gnomAD exomes 0.84582.
gnomAD v4.1: 1,390,272 of 1,613,240 alleles (86%); highest among the groups gnomAD compares: Admixed American, 90%; 604,517 homozygotes.

Submissions (12):

Labcorp Genetics (formerly Invitae), Labcorp
Classification: Benign. Last evaluated: 2026-02-04. Review status: criteria provided, single submitter. Criteria: Invitae Variant Classification Sherloc (09022015). Collection method: clinical testing. Allele origin: germline.

Blueprint Genetics
Classification: Benign. Last evaluated: 2024-11-28. Review status: criteria provided, single submitter. Criteria: ACMG Guidelines, 2015. Collection method: clinical testing. Allele origin: germline.

Unidad de Genómica Garrahan, Hospital de Pediatría Garrahan
Classification: Benign. Last evaluated: 2024-07-15. Review status: criteria provided, single submitter. Criteria: ACMG Guidelines, 2015. Collection method: clinical testing. Allele origin: germline. Affected: no. Observed: 92 variant alleles.
Comment: This variant is classified as Benign based on local population frequency. This variant was detected in 99% of patients studied in a panel designed for Epileptic and Developmental Encephalopathy and Progressive Myoclonus Epilepsy. Number of patients: 92. Only high quality variants are reported.

Genome-Nilou Lab
Classification: Benign for Autosomal dominant nocturnal frontal lobe epilepsy 1. Last evaluated: 2021-07-22. Review status: criteria provided, single submitter. Criteria: ACMG Guidelines, 2015. Collection method: clinical testing. Allele origin: germline. Affected: no.

Mayo Clinic Laboratories, Mayo Clinic
Classification: Benign. Last evaluated: 2018-04-02. Review status: criteria provided, single submitter. Criteria: ACMG Guidelines, 2015. Collection method: clinical testing. Allele origin: germline. Observed: 520 variant alleles.

Athena Diagnostics
Classification: Benign. Last evaluated: 2017-05-24. Review status: criteria provided, single submitter. Criteria: Athena Diagnostics Criteria. Collection method: clinical testing. Allele origin: germline.

Eurofins Ntd Llc (ga)
Classification: Benign. Last evaluated: 2016-03-16. Review status: criteria provided, single submitter. Criteria: EGL Classification Definitions 2015. Collection method: clinical testing. Allele origin: germline. Observed: 6 variant alleles, 1 heterozygote, 5 homozygotes.

Ambry Genetics
Classification: Benign for Inborn genetic diseases. Last evaluated: 2016-01-08. Review status: criteria provided, single submitter. Criteria: Ambry Variant Classification Scheme 2023. Collection method: clinical testing. Allele origin: germline.

GeneDx
Classification: Benign. Last evaluated: 2015-03-03. Review status: criteria provided, single submitter. Criteria: GeneDx Variant Classification Process June 2021. Collection method: clinical testing. Allele origin: germline. Affected: yes.

Breakthrough Genomics
Classification: Benign. Review status: criteria provided, single submitter. Criteria: ACMG Guidelines, 2015. Collection method: not provided. Allele origin: germline. Inheritance: Autosomal dominant inheritance. Affected: yes.

PreventionGenetics, part of Exact Sciences
Classification: Benign. Review status: criteria provided, single submitter. Criteria: ACMG Guidelines, 2015. Collection method: clinical testing. Allele origin: germline.

Genetic Services Laboratory, University of Chicago
Classification: Likely benign for AllHighlyPenetrant. Review status: no assertion criteria provided. Collection method: clinical testing. Allele origin: germline. Inheritance: Autosomal dominant inheritance. Not counted in ClinVar's aggregate classification.
Comment: Likely benign based on allele frequency in 1000 Genomes Project or ESP global frequency and its presence in a patient with a rare or unrelated disease phenotype. NOT Sanger confirmed.